The following is an entry in ClinVar:

ClinVar aggregate classification (germline): Uncertain significance (1 of 4 stars; one submission).

Conditions:
Left ventricular noncompaction 8 (LVNC8). Identifiers: Orphanet 154, Orphanet 54260, MedGen C3809288, MONDO:0014152, OMIM 615373.

Allele frequency attached by ClinVar (database versions not stated): TOPMed below 0.00001; ExAC 0.00001; gnomAD exomes 0.00001.
gnomAD v4.1: 7 of 1,613,106 alleles (0.00043%); highest among the groups gnomAD compares: Admixed American, 0.0017%; no homozygotes.

Submission:

Labcorp Genetics (formerly Invitae), Labcorp
Classification: Uncertain significance for Left ventricular noncompaction 8. Last evaluated: 2019-03-22. Review status: criteria provided, single submitter. Criteria: Invitae Variant Classification Sherloc (09022015). Collection method: clinical testing. Allele origin: germline.
Comment: In summary, the available evidence is currently insufficient to determine the role of this variant in disease. Therefore, it has been classified as a Variant of Uncertain Significance. Algorithms developed to predict the effect of missense changes on protein structure and function are either unavailable or do not agree on the potential impact of this missense change (SIFT: "Tolerated"; PolyPhen-2: "Possibly Damaging"; Align-GVGD: "Class C0"). This variant has not been reported in the literature in individuals with PRDM16-related conditions. This variant is present in population databases (rs770148632, ExAC 0.002%). This sequence change replaces threonine with methionine at codon 252 of the PRDM16 protein (p.Thr252Met). The threonine residue is weakly conserved and there is a moderate physicochemical difference between threonine and methionine.

NM_022114.4(PRDM16):c.755C>T (p.Thr252Met)

Gene: PRDM16 (PR/SET domain 16; plus strand). Cytogenetic location: 1p36.32.
Variant type: single nucleotide variant.
Coding change: c.755C>T on transcript NM_022114.4 (MANE Select); coding-DNA position 755, C replaced by T.
Protein change: p.Thr252Met; replaces threonine 252 with methionine.
Molecular consequence: missense variant.
Genome position (GRCh38, 1-based): chr1:3,402,869, C>T. VCF-style: chr1-3402869-C-T. GRCh37 (hg19) VCF-style: chr1-3319433-C-T.
Other names: c.755C>T, p.Thr252Met (NM_199454.3); short protein forms T252M.
Identifiers: ClinVar variation 842550 (VCV000842550.9), dbSNP rs770148632, ClinGen allele CA543953.